The following is an entry in ClinVar:

ClinVar aggregate classification (germline): Conflicting classifications of pathogenicity. Review status: criteria provided, conflicting classifications (1 of 4 stars). 4 submissions from 4 submitters: Uncertain significance (3); Likely benign (1). Last evaluated 2025-04-14.

Conditions:
BRCA2-related cancer predisposition. Identifiers: MedGen CN377758, MONDO:0700269.
Hereditary cancer-predisposing syndrome. Also called: Hereditary neoplastic syndrome; Hereditary Cancer Syndrome; Neoplastic Syndromes, Hereditary; Tumor predisposition. Identifiers: Orphanet 140162, MedGen C0027672, MeSH D009386, MONDO:0015356.
Hereditary breast ovarian cancer syndrome. Also called: Hereditary breast and ovarian cancer syndrome; Hereditary breast and ovarian cancer syndrome (HBOC); Breast and ovarian cancer; Hereditary breast and/or ovarian cancer syndrome; Hereditary breast and ovarian cancer; BRCA1- and BRCA2-Associated Hereditary Breast and Ovarian Cancer. Identifiers: Orphanet 145, MedGen C0677776, MeSH D061325, MONDO:0003582. Disease mechanism: loss of function.

gnomAD v4.1: 4 of 1,613,978 alleles (0.00025%); highest among the groups gnomAD compares: Non-Finnish European, 0.00034%; no homozygotes.

Submissions (4):

Labcorp Genetics (formerly Invitae), Labcorp
Classification: Uncertain significance for Hereditary breast ovarian cancer syndrome. Last evaluated: 2025-04-14. Review status: criteria provided, single submitter. Criteria: Invitae Variant Classification Sherloc (09022015). Collection method: clinical testing. Allele origin: germline.
Comment: This sequence change replaces aspartic acid, which is acidic and polar, with glycine, which is neutral and non-polar, at codon 2005 of the BRCA2 protein (p.Asp2005Gly). This variant is not present in population databases (gnomAD no frequency). This missense change has been observed in individual(s) with hereditary breast and ovarian cancer (PMID: 25415331, 27062684). ClinVar contains an entry for this variant (Variation ID: 229901). Invitae Evidence Modeling of protein sequence and biophysical properties (such as structural, functional, and spatial information, amino acid conservation, physicochemical variation, residue mobility, and thermodynamic stability) indicates that this missense variant is not expected to disrupt BRCA2 protein function with a negative predictive value of 95%. In summary, the available evidence is currently insufficient to determine the role of this variant in disease. Therefore, it has been classified as a Variant of Uncertain Significance.

All of Us Research Program, National Institutes of Health
Classification: Uncertain significance for BRCA2-related cancer predisposition. Last evaluated: 2024-07-29. Review status: criteria provided, single submitter. Criteria: ACMG Guidelines, 2015. Collection method: clinical testing. Allele origin: germline. Inheritance: Autosomal dominant inheritance. Observed: 1 variant allele, 1 heterozygote.
Comment: This missense variant replaces aspartic acid with glycine at codon 2005 of the BRCA2 protein. Computational prediction suggests that this variant may not impact protein structure and function. To our knowledge, functional studies have not been reported for this variant. This variant has been reported in individuals affected with breast cancer and/or ovarian cancer (PMID: 25415331, 27062684) and in an individual referred for hereditary cancer genetic testing (PMID: 31853058). In addition, a multifactorial likelihood analysis suggested that this variant may be pathogenic (PMID: 31131967). This variant has not been identified in the general population by the Genome Aggregation Database (gnomAD). The available evidence is insufficient to determine the role of this variant in disease conclusively. Therefore, this variant is classified as a Variant of Uncertain Significance.

This study involves interpretation of variants in research participants for the purpose of population health screening. Participant phenotype was not available at the time of variant classification. Additional details can be found in publication PMID: 35346344, PMCID: PMC8962531

Ambry Genetics
Classification: Uncertain significance for Hereditary cancer-predisposing syndrome. Last evaluated: 2024-06-04. Review status: criteria provided, single submitter. Criteria: Ambry Variant Classification Scheme 2023. Collection method: clinical testing. Allele origin: germline.
Comment: The p.D2005G variant (also known as c.6014A>G), located in coding exon 10 of the BRCA2 gene, results from an A to G substitution at nucleotide position 6014. The aspartic acid at codon 2005 is replaced by glycine, an amino acid with similar properties. In a study of 1854 high-risk BR/OV cancer kindreds in Italy, this alteration was detected in 1 family (Azzollini J et al. Eur. J. Intern. Med., 2016 Jul;32:65-71). This amino acid position is not well conserved in available vertebrate species. In addition, this alteration is predicted to be tolerated by in silico analysis. Based on the available evidence, the clinical significance of this variant remains unclear.

University of Washington Department of Laboratory Medicine, University of Washington
Classification: Likely benign for Hereditary cancer-predisposing syndrome. Last evaluated: 2023-03-23. Review status: criteria provided, single submitter. Criteria: Dines et al. (Genet Med. 2020). Collection method: curation. Allele origin: germline.
Comment: Missense variant in a coldspot region where missense variants are very unlikely to be pathogenic (PMID:31911673).

BRCA2 exon 11 coldspot. Reclassification based on statistical prior probability.

Literature cited by the submitters: PubMed 25415331 (cited by Labcorp Genetics (formerly Invitae), Labcorp and All of Us Research Program, National Institutes of Health); PubMed 27062684 (cited by 3 submitters); PubMed 31131967 (cited by All of Us Research Program, National Institutes of Health); PubMed 31853058 (cited by All of Us Research Program, National Institutes of Health).

NM_000059.4(BRCA2):c.6014A>G (p.Asp2005Gly)

Gene: BRCA2 (BRCA2 DNA repair associated; plus strand). Cytogenetic location: 13q13.1.
Variant type: single nucleotide variant.
Coding change: c.6014A>G on transcript NM_000059.4 (MANE Select); coding-DNA position 6014, A replaced by G.
Protein change: p.Asp2005Gly; replaces aspartic acid 2005 with glycine.
Molecular consequence: missense variant.
Genome position (GRCh38, 1-based): chr13:32,340,369, A>G. VCF-style: chr13-32340369-A-G. GRCh37 (hg19) VCF-style: chr13-32914506-A-G.
Other names: short protein forms D2005G.
Identifiers: ClinVar variation 229901 (VCV000229901.16), dbSNP rs876658259, ClinGen allele CA10579674.